The following is an entry in ClinVar:

NM_017739.4(POMGNT1):c.7G>C (p.Asp3His)

Gene: POMGNT1 (protein O-linked mannose N-acetylglucosaminyltransferase 1 (beta 1,2-); minus strand). Cytogenetic location: 1p34.1.
Variant type: single nucleotide variant.
Coding change: c.7G>C on transcript NM_017739.4 (MANE Select); coding-DNA position 7, G replaced by C.
Protein change: p.Asp3His; replaces aspartic acid 3 with histidine.
Molecular consequence: missense variant.
Genome position (GRCh38, 1-based): chr1:46,197,815, C>G on the plus strand (G>C on the coding strand, the complement: POMGNT1 is on the minus strand). VCF-style: chr1-46197815-C-G. GRCh37 (hg19) VCF-style: chr1-46663487-C-G.
Other names: c.7G>C, p.Asp3His (NM_001243766.2); short protein forms D3H.
Identifiers: ClinVar variation 1434338 (VCV001434338.4), dbSNP rs201637813, ClinGen allele CA21918626.

ClinVar aggregate classification (germline): Uncertain significance. Review status: criteria provided, multiple submitters, no conflicts (2 of 4 stars). 2 submissions from 2 submitters: Uncertain significance (2). Last evaluated 2024-11-08.

Conditions:
Autosomal recessive limb-girdle muscular dystrophy type 2O. Also called: Limb-Girdle Muscular Dystrophy Type 3C; MUSCULAR DYSTROPHY-DYSTROGLYCANOPATHY (LIMB-GIRDLE), TYPE C, 3; MUSCULAR DYSTROPHY-DYSTROGLYCANOPATHY, LIMB-GIRDLE, POMGNT1-RELATED. Identifiers: Orphanet 206564, MedGen C3150417, MONDO:0013161, OMIM 613157.
Muscular dystrophy-dystroglycanopathy (congenital with impaired intellectual development), type B, 3. Also called: MUSCULAR DYSTROPHY, CONGENITAL, POMGNT1-RELATED; Muscular dystrophy-dystroglycanopathy (congenital with intellectual disability), type B3. Identifiers: MedGen C3150412, MONDO:0013155, OMIM 613151.

gnomAD v4.1: 21 of 1,613,956 alleles (0.0013%); highest among the groups gnomAD compares: Admixed American, 0.035%; no homozygotes.

Submissions (2):

Blueprint Genetics
Classification: Uncertain significance. Last evaluated: 2024-11-08. Review status: criteria provided, single submitter. Criteria: ACMG Guidelines, 2015. Collection method: clinical testing. Allele origin: germline.

Labcorp Genetics (formerly Invitae), Labcorp
Classification: Uncertain significance for Autosomal recessive limb-girdle muscular dystrophy type 2O; Muscular dystrophy-dystroglycanopathy (congenital with impaired intellectual development), type B, 3. Last evaluated: 2022-07-01. Review status: criteria provided, single submitter. Criteria: Invitae Variant Classification Sherloc (09022015). Collection method: clinical testing. Allele origin: germline.
Comment: This sequence change replaces aspartic acid, which is acidic and polar, with histidine, which is basic and polar, at codon 3 of the POMGNT1 protein (p.Asp3His). This variant is present in population databases (no rsID available, gnomAD 0.01%). This variant has not been reported in the literature in individuals affected with POMGNT1-related conditions. ClinVar contains an entry for this variant (Variation ID: 1434338). Advanced modeling of protein sequence and biophysical properties (such as structural, functional, and spatial information, amino acid conservation, physicochemical variation, residue mobility, and thermodynamic stability) performed at Invitae indicates that this missense variant is not expected to disrupt POMGNT1 protein function. In summary, the available evidence is currently insufficient to determine the role of this variant in disease. Therefore, it has been classified as a Variant of Uncertain Significance.